The following is an entry in ClinVar:

NM_001267550.2(TTN):c.102131T>C (p.Ile34044Thr)

Genes: TTN (titin; minus strand), TTN-AS1 (TTN antisense RNA 1; plus strand). Cytogenetic location: 2q31.2.
Variant type: single nucleotide variant.
Coding change: c.102131T>C on transcript NM_001267550.2 (MANE Select); coding-DNA position 102131, T replaced by C.
Protein change: p.Ile34044Thr; replaces isoleucine 34044 with threonine.
Molecular consequence: missense variant.
Genome position (GRCh38, 1-based): chr2:178,534,484, A>G on the plus strand (T>C on the coding strand, the complement: TTN is on the minus strand). VCF-style: chr2-178534484-A-G. GRCh37 (hg19) VCF-style: chr2-179399211-A-G.
Other names: c.97208T>C, p.Ile32403Thr (NM_001256850.1); c.74936T>C, p.Ile24979Thr (NM_003319.4); c.94427T>C, p.Ile31476Thr (NM_133378.4); c.75311T>C, p.Ile25104Thr (NM_133432.3); c.75512T>C, p.Ile25171Thr (NM_133437.4); short protein forms I24979T, I25104T, I25171T, I31476T, I32403T, I34044T.
Identifiers: ClinVar variation 3760623 (VCV003760623.2).

ClinVar aggregate classification (germline): Uncertain significance (1 of 4 stars; one submission).

Conditions:
Autosomal recessive limb-girdle muscular dystrophy type 2J (LGMDR10). Also called: Limb-girdle muscular dystrophy, type 2J; MUSCULAR DYSTROPHY, LIMB-GIRDLE, AUTOSOMAL RECESSIVE 10. Identifiers: Orphanet 140922, MedGen C1837342, MONDO:0012127, OMIM 608807.
Dilated cardiomyopathy 1G (CMD1G). Identifiers: Orphanet 154, MedGen C1858763, MONDO:0011400, OMIM 604145.

gnomAD v4.1: 2 of 1,613,736 alleles (0.00012%); highest among the groups gnomAD compares: African/African-American, 0.0013%; no homozygotes.

Submission:

Labcorp Genetics (formerly Invitae), Labcorp
Classification: Uncertain significance for Dilated cardiomyopathy 1G; Autosomal recessive limb-girdle muscular dystrophy type 2J. Last evaluated: 2025-01-01. Review status: criteria provided, single submitter. Criteria: Invitae Variant Classification Sherloc (09022015). Collection method: clinical testing. Allele origin: germline.
Comment: This sequence change replaces isoleucine, which is neutral and non-polar, with threonine, which is neutral and polar, at codon 34044 of the TTN protein (p.Ile34044Thr). This variant is not present in population databases (gnomAD no frequency). This variant has not been reported in the literature in individuals affected with TTN-related conditions. An algorithm developed to predict the effect of missense changes on protein structure and function outputs the following: PolyPhen-2: "Not Available". The threonine amino acid residue is found in multiple mammalian species, which suggests that this missense change does not adversely affect protein function. This variant is located in the M band of TTN (PMID: 25589632). Non-truncating variants in this region may be relevant for neuromuscular disorders, but have not been definitively shown to cause cardiomyopathy (PMID: 23975875). In summary, the available evidence is currently insufficient to determine the role of this variant in disease. Therefore, it has been classified as a Variant of Uncertain Significance.

Literature cited by the submitters: PubMed 25589632; PubMed 23975875.